The following is an entry in ClinVar:

NM_001366521.1(ATP2B1):c.2054C>T (p.Pro685Leu)

Gene: ATP2B1 (ATPase plasma membrane Ca2+ transporting 1; minus strand). Cytogenetic location: 12q21.33.
Variant type: single nucleotide variant.
Coding change: c.2054C>T on transcript NM_001366521.1 (MANE Select); coding-DNA position 2054, C replaced by T.
Protein change: p.Pro685Leu; replaces proline 685 with leucine.
Molecular consequence: missense variant. On other transcripts: non-coding transcript variant (3).
Genome position (GRCh38, 1-based): chr12:89,616,815, G>A on the plus strand (C>T on the coding strand, the complement: ATP2B1 is on the minus strand). VCF-style: chr12-89616815-G-A. GRCh37 (hg19) VCF-style: chr12-90010592-G-A.
Other names: c.2054C>T, p.Pro685Leu (NM_001001323.2, NM_001366520.1, NM_001366522.1 and 12 more transcripts); c.1913C>T, p.Pro638Leu (NM_001413052.1, NM_001413055.1, NM_001413051.1); c.1856C>T, p.Pro619Leu (NM_001413053.1, NM_001366530.1); c.1811C>T, p.Pro604Leu (NM_001413054.1); c.1799C>T, p.Pro600Leu (NM_001413056.1); c.1601C>T, p.Pro534Leu (NM_001413057.1); c.1493C>T, p.Pro498Leu (NM_001413058.1, NM_001413059.1, NM_001413060.1 and 2 more transcripts); c.2015C>T, p.Pro672Leu (NM_001413048.1); short protein forms P498L, P534L, P600L, P604L, P619L, P638L, P672L, P685L.
Identifiers: ClinVar variation 4532502 (VCV004532502.1).

ClinVar aggregate classification (germline): Uncertain significance (1 of 4 stars; one submission).

Submission:

GeneDx
Classification: Uncertain significance. Last evaluated: 2025-06-01. Review status: criteria provided, single submitter. Criteria: GeneDx Variant Classification Process June 2021. Collection method: clinical testing. Allele origin: germline. Affected: yes.
Comment: Not observed at significant frequency in large population cohorts (gnomAD); In silico analysis supports that this missense variant has a deleterious effect on protein structure/function; Has not been previously published as pathogenic or benign to our knowledge